The following is an entry in ClinVar:

NM_007348.4(ATF6):c.1441C>T (p.His481Tyr)

Gene: ATF6 (activating transcription factor 6; plus strand). Cytogenetic location: 1q23.3.
Variant type: single nucleotide variant.
Coding change: c.1441C>T on transcript NM_007348.4 (MANE Select); coding-DNA position 1441, C replaced by T.
Protein change: p.His481Tyr; replaces histidine 481 with tyrosine.
Molecular consequence: missense variant.
Genome position (GRCh38, 1-based): chr1:161,853,231, C>T. VCF-style: chr1-161853231-C-T. GRCh37 (hg19) VCF-style: chr1-161823021-C-T.
Other names: short protein forms H481Y.
Identifiers: ClinVar variation 1004992 (VCV001004992.5), dbSNP rs767090247, ClinGen allele CA1214481.
Genomic context (GRCh38, chr1:161,853,231, plus strand): 5'-ATTTCTATGTTTAATTAATTTCTATGTTTAATTAATTAAACTATATTTTATAGGTTAAAT[C>T]ATGAACTTCGAGGATGGGTTCATAGACATGAAGTAGAAAGGACCAAGTCAAGAAGAATGA-3'
Protein context (NP_031374.2, residues 471-491): INTTESLRLN[His481Tyr]ELRGWVHRHE

ClinVar aggregate classification (germline): Uncertain significance (1 of 4 stars; one submission).

Allele frequency attached by ClinVar (database versions not stated): gnomAD exomes below 0.00001 and 0.00001; ExAC 0.00001.
gnomAD v4.1: 7 of 1,599,530 alleles (0.00044%); highest among the groups gnomAD compares: South Asian, 0.0033%; no homozygotes.

Submission:

Labcorp Genetics (formerly Invitae), Labcorp
Classification: Uncertain significance. Last evaluated: 2020-07-13. Review status: criteria provided, single submitter. Criteria: Invitae Variant Classification Sherloc (09022015). Collection method: clinical testing. Allele origin: germline.
Comment: In summary, the available evidence is currently insufficient to determine the role of this variant in disease. Therefore, it has been classified as a Variant of Uncertain Significance. Algorithms developed to predict the effect of missense changes on protein structure and function are either unavailable or do not agree on the potential impact of this missense change (SIFT: "Deleterious"; PolyPhen-2: "Probably Damaging"; Align-GVGD: "Class C15"). This variant has not been reported in the literature in individuals with ATF6-related conditions. This variant is present in population databases (rs767090247, ExAC 0.007%). This sequence change replaces histidine with tyrosine at codon 481 of the ATF6 protein (p.His481Tyr). The histidine residue is moderately conserved and there is a moderate physicochemical difference between histidine and tyrosine.